The following is an entry in ClinVar:

ClinVar aggregate classification (germline): Pathogenic. Review status: reviewed by expert panel (3 of 4 stars). 5 submissions from 5 submitters: Pathogenic (1). 4 of the submissions do not count toward it. Last evaluated 2025-07-23.

Conditions:
Autosomal recessive limb-girdle muscular dystrophy. Identifiers: Orphanet 102015, MedGen C2931907, MONDO:0015152.
Miyoshi muscular dystrophy 1 (MMD1). Identifiers: Orphanet 45448, MedGen C4551973, MONDO:0024545, OMIM 254130.
Autosomal recessive limb-girdle muscular dystrophy type 2B (LGMDR2). Also called: MUSCULAR DYSTROPHY, LIMB-GIRDLE, AUTOSOMAL RECESSIVE 2; MUSCULAR DYSTROPHY, LIMB-GIRDLE, TYPE 3; Limb-girdle muscular dystrophy, type 2B; Limb-Girdle Muscular Dystrophy Type 2B (LGMD2B). Identifiers: Orphanet 268, MedGen C1850889, MONDO:0009676, OMIM 253601.
Neuromuscular disease caused by qualitative or quantitative defects of dysferlin. Also called: Qualitative or quantitative defects of dysferlin; Dysferlinopathy. Identifiers: Orphanet 207073, MedGen C2931687, MONDO:0016145.

gnomAD v4.1: 1 of 1,614,156 alleles (0.000062%); highest among the groups gnomAD compares: Non-Finnish European, 0.000085%; no homozygotes.

Submissions (5):

ClinGen Limb Girdle Muscular Dystrophy Variant Curation Expert Panel, ClinGen
Classification: Pathogenic for Autosomal recessive limb-girdle muscular dystrophy. Last evaluated: 2025-07-23. Review status: reviewed by expert panel. Criteria: ClinGen LGMD VCEP ACMG Specifications DYSF V1.0.0. Collection method: curation. Allele origin: germline. Inheritance: Autosomal recessive inheritance.
Comment: The NM_003494.4: c.2212C>T p.(Gln738Ter) variant in DYSF, which is also known as NM_001130987.2: c.2266C>T p.(Gln756Ter), is a nonsense variant predicted to cause a premature stop codon in exon 23/55, leading to nonsense mediated decay in a gene in which loss of function is a known mechanism of disease (PVS1). The highest allele frequency for this variant is 0.0000008474 in the European (non-Finnish) population of gnomAD v4.1.0 (1/1180024 chromosomes), which is less than the LGMD VCEP threshold for PM2_Supporting (0.0001), meeting this criterion (PM2_Supporting). In summary, this variant meets the criteria to be classified as Pathogenic for autosomal recessive limb girdle muscular dystrophy based on the ACMG/AMP criteria applied, as specified by the ClinGen LGMD VCEP (LGMD VCEP specifications version 1.0.0; 07/23/2025): PVS1, PP4, PM2_Supporting.

GeneDx
Classification: Pathogenic. Last evaluated: 2025-06-23. Review status: criteria provided, single submitter. Criteria: GeneDx Variant Classification Process June 2021. Collection method: clinical testing. Allele origin: germline. Affected: yes. Not counted in ClinVar's aggregate classification.
Comment: Nonsense variant predicted to result in protein truncation or nonsense mediated decay in a gene for which loss of function is a known mechanism of disease; Not observed at significant frequency in large population cohorts (gnomAD); This variant is associated with the following publications: (PMID: 36580222, 39548682)

Genomic Medicine Center of Excellence, King Faisal Specialist Hospital and Research Centre
Classification: Likely pathogenic for Autosomal recessive limb-girdle muscular dystrophy type 2B. Last evaluated: 2024-03-25. Review status: criteria provided, single submitter. Criteria: ACMG Guidelines, 2015. Collection method: clinical testing. Allele origin: germline. Not counted in ClinVar's aggregate classification.

Kariminejad - Najmabadi Pathology & Genetics Center
Classification: Likely pathogenic for Miyoshi muscular dystrophy 1; Autosomal recessive limb-girdle muscular dystrophy type 2B. Last evaluated: 2022-02-17. Review status: criteria provided, single submitter. Criteria: ACMG Guidelines, 2015. Collection method: clinical testing. Allele origin: germline. Inheritance: Autosomal recessive inheritance. Affected: yes. Not counted in ClinVar's aggregate classification.
Comment: PVS1,PM2

Labcorp Genetics (formerly Invitae), Labcorp
Classification: Pathogenic for Neuromuscular disease caused by qualitative or quantitative defects of dysferlin. Last evaluated: 2021-02-21. Review status: criteria provided, single submitter. Criteria: Invitae Variant Classification Sherloc (09022015). Collection method: clinical testing. Allele origin: germline. Not counted in ClinVar's aggregate classification.
Comment: This sequence change creates a premature translational stop signal (p.Gln738*) in the DYSF gene. It is expected to result in an absent or disrupted protein product. Loss-of-function variants in DYSF are known to be pathogenic (PMID: 17698709, 20301480). This variant is not present in population databases (ExAC no frequency). This variant has not been reported in the literature in individuals with DYSF-related conditions. For these reasons, this variant has been classified as Pathogenic.

Literature cited by the submitters: PubMed 17698709 (cited by Labcorp Genetics (formerly Invitae), Labcorp); PubMed 20301480 (cited by Labcorp Genetics (formerly Invitae), Labcorp).

NM_001130987.2(DYSF):c.2266C>T (p.Gln756Ter)

Gene: DYSF (dysferlin; plus strand). Cytogenetic location: 2p13.2.
Variant type: single nucleotide variant.
Coding change: c.2266C>T on transcript NM_001130987.2 (MANE Select); coding-DNA position 2266, C replaced by T.
Protein change: p.Gln756Ter; replaces glutamine 756 with a stop codon.
Molecular consequence: nonsense.
Genome position (GRCh38, 1-based): chr2:71,561,801, C>T. VCF-style: chr2-71561801-C-T. GRCh37 (hg19) VCF-style: chr2-71788931-C-T.
Other names: NM_001130987.2(DYSF):c.2266C>T; p.Gln756Ter; c.2212C>T, p.Gln738Ter (NM_001130978.2, NM_003494.4); c.2305C>T, p.Gln769Ter (NM_001130979.2); c.2263C>T, p.Gln755Ter (NM_001130980.2, NM_001130981.2); c.2215C>T, p.Gln739Ter (NM_001130455.2, NM_001130983.2); c.2170C>T, p.Gln724Ter (NM_001130976.2, NM_001130977.2); c.2212C>T (NM_003494.3); and 3 more; short protein forms Q725*, Q739*, Q770*, Q724*, Q756*, Q738*, Q755*, Q769*.
Identifiers: ClinVar variation 1433815 (VCV001433815.10), dbSNP rs1172643225, ClinGen allele CA347208953.